The following is an entry in ClinVar:

NM_207318.4(FAM199X):c.521G>A (p.Arg174Gln)

Gene: FAM199X (family with sequence similarity 199, X-linked; plus strand). Cytogenetic location: Xq22.2.
Variant type: single nucleotide variant.
Coding change: c.521G>A on transcript NM_207318.4 (MANE Select); coding-DNA position 521, G replaced by A.
Protein change: p.Arg174Gln; replaces arginine 174 with glutamine.
Molecular consequence: missense variant.
Genome position (GRCh38, 1-based): chrX:104,186,169, G>A. VCF-style: chrX-104186169-G-A. GRCh37 (hg19) VCF-style: chrX-103430850-G-A.
Other names: c.521G>A (NM_207318.3); short protein forms R174Q.
Identifiers: ClinVar variation 2661109 (VCV002661109.25), dbSNP rs370616867, ClinGen allele CA10479837.

ClinVar aggregate classification (germline): Conflicting classifications of pathogenicity. Review status: criteria provided, conflicting classifications (1 of 4 stars). 2 submissions from 2 submitters: Uncertain significance (1); Likely benign (1). Last evaluated 2024-10-28.

Allele frequency attached by ClinVar (database versions not stated): gnomAD 0.00001; ExAC 0.00009; ESP Exome Variant Server 0.00009.
gnomAD v4.1: 13 of 1,208,930 alleles (0.0011%); highest among the groups gnomAD compares: South Asian, 0.007%; no homozygotes.

Submissions (2):

Ambry Genetics
Classification: Uncertain significance. Last evaluated: 2024-10-28. Review status: criteria provided, single submitter. Criteria: Ambry Variant Classification Scheme 2023. Collection method: clinical testing. Allele origin: germline.

CeGaT Center for Human Genetics Tuebingen
Classification: Likely benign. Last evaluated: 2023-02-01. Review status: criteria provided, single submitter. Criteria: CeGaT Center For Human Genetics Tuebingen Variant Classification Criteria Version 2. Collection method: clinical testing. Allele origin: germline. Affected: yes. Observed: 1 variant allele.
Comment: FAM199X: BP4, BS2